The following is an entry in ClinVar:

NM_024408.4(NOTCH2):c.4018G>A (p.Ala1340Thr)

Gene: NOTCH2 (notch receptor 2; minus strand). Cytogenetic location: 1p12.
Variant type: single nucleotide variant.
Coding change: c.4018G>A on transcript NM_024408.4 (MANE Select); coding-DNA position 4018, G replaced by A.
Protein change: p.Ala1340Thr; replaces alanine 1340 with threonine.
Molecular consequence: missense variant.
Genome position (GRCh38, 1-based): chr1:119,925,798, C>T on the plus strand (G>A on the coding strand, the complement: NOTCH2 is on the minus strand). VCF-style: chr1-119925798-C-T. GRCh37 (hg19) VCF-style: chr1-120468421-C-T.
Other names: short protein forms A1340T.
Identifiers: ClinVar variation 3666408 (VCV003666408.2).

ClinVar aggregate classification (germline): Uncertain significance (1 of 4 stars; one submission).

Conditions:
Hajdu-Cheney syndrome (HJCYS). Also called: ACROOSTEOLYSIS WITH OSTEOPOROSIS AND CHANGES IN SKULL AND MANDIBLE; SERPENTINE FIBULA-POLYCYSTIC KIDNEY SYNDROME; Acroosteolysis dominant type. Identifiers: Orphanet 955, MedGen C0917715, MONDO:0007057, OMIM 102500.

Submission:

Labcorp Genetics (formerly Invitae), Labcorp
Classification: Uncertain significance for Hajdu-Cheney syndrome. Last evaluated: 2024-10-08. Review status: criteria provided, single submitter. Criteria: Invitae Variant Classification Sherloc (09022015). Collection method: clinical testing. Allele origin: germline.
Comment: This sequence change replaces alanine, which is neutral and non-polar, with threonine, which is neutral and polar, at codon 1340 of the NOTCH2 protein (p.Ala1340Thr). This variant is not present in population databases (gnomAD no frequency). This variant has not been reported in the literature in individuals affected with NOTCH2-related conditions. Invitae Evidence Modeling of protein sequence and biophysical properties (such as structural, functional, and spatial information, amino acid conservation, physicochemical variation, residue mobility, and thermodynamic stability) indicates that this missense variant is not expected to disrupt NOTCH2 protein function with a negative predictive value of 80%. In summary, the available evidence is currently insufficient to determine the role of this variant in disease. Therefore, it has been classified as a Variant of Uncertain Significance.